The following is an entry in ClinVar:

ClinVar aggregate classification (germline): Uncertain significance (1 of 4 stars; one submission).

Conditions:
Fanconi anemia (FA). Also called: Fanconi's anemia. Identifiers: Orphanet 84, MedGen C0015625, MeSH D005199, MONDO:0019391.

Allele frequency attached by ClinVar (database versions not stated): ExAC 0.00001; gnomAD 0.00001; TOPMed 0.00002.
gnomAD v4.1: 1 of 1,614,032 alleles (0.000062%); highest among the groups gnomAD compares: African/African-American, 0.0013%; no homozygotes.

Submission:

Labcorp Genetics (formerly Invitae), Labcorp
Classification: Uncertain significance for Fanconi anemia. Last evaluated: 2022-01-28. Review status: criteria provided, single submitter. Criteria: Invitae Variant Classification Sherloc (09022015). Collection method: clinical testing. Allele origin: germline.
Comment: In summary, the available evidence is currently insufficient to determine the role of this variant in disease. Therefore, it has been classified as a Variant of Uncertain Significance. Algorithms developed to predict the effect of missense changes on protein structure and function are either unavailable or do not agree on the potential impact of this missense change (SIFT: "Tolerated"; PolyPhen-2: "Possibly Damaging"; Align-GVGD: "Class C0"). This variant has not been reported in the literature in individuals affected with FANCM-related conditions. This variant is present in population databases (rs771539841, gnomAD 0.007%). This sequence change replaces glycine, which is neutral and non-polar, with arginine, which is basic and polar, at codon 24 of the FANCM protein (p.Gly24Arg).

NM_020937.4(FANCM):c.70G>C (p.Gly24Arg)

Genes: FANCM (FA complementation group M; plus strand), LOC130055524 (ATAC-STARR-seq lymphoblastoid active region 8299; plus strand). Cytogenetic location: 14q21.2.
Variant type: single nucleotide variant.
Coding change: c.70G>C on transcript NM_020937.4 (MANE Select); coding-DNA position 70, G replaced by C.
Protein change: p.Gly24Arg; replaces glycine 24 with arginine.
Molecular consequence: missense variant.
Genome position (GRCh38, 1-based): chr14:45,136,101, G>C. VCF-style: chr14-45136101-G-C. GRCh37 (hg19) VCF-style: chr14-45605304-G-C.
Other names: c.70G>C, p.Gly24Arg (NM_001308133.2, NM_001308134.2); short protein forms G24R.
Identifiers: ClinVar variation 2140465 (VCV002140465.4), dbSNP rs771539841, ClinGen allele CA7168692.